The following is an entry in ClinVar:

ClinVar aggregate classification (germline): Uncertain significance (1 of 4 stars; one submission).

Submission:

Labcorp Genetics (formerly Invitae), Labcorp
Classification: Uncertain significance. Last evaluated: 2022-07-19. Review status: criteria provided, single submitter. Criteria: Invitae Variant Classification Sherloc (09022015). Collection method: clinical testing. Allele origin: germline.
Comment: Algorithms developed to predict the effect of missense changes on protein structure and function are either unavailable or do not agree on the potential impact of this missense change (SIFT: "Deleterious"; PolyPhen-2: "Probably Damaging"; Align-GVGD: "Class C0"). In summary, the available evidence is currently insufficient to determine the role of this variant in disease. Therefore, it has been classified as a Variant of Uncertain Significance. This variant has not been reported in the literature in individuals affected with SAMD9-related conditions. This variant is not present in population databases (gnomAD no frequency). This sequence change replaces threonine, which is neutral and polar, with isoleucine, which is neutral and non-polar, at codon 965 of the SAMD9 protein (p.Thr965Ile).

NM_017654.4(SAMD9):c.2894C>T (p.Thr965Ile)

Gene: SAMD9 (sterile alpha motif domain containing 9; minus strand). Cytogenetic location: 7q21.2.
Variant type: single nucleotide variant.
Coding change: c.2894C>T on transcript NM_017654.4 (MANE Select); coding-DNA position 2894, C replaced by T.
Protein change: p.Thr965Ile; replaces threonine 965 with isoleucine.
Molecular consequence: missense variant.
Genome position (GRCh38, 1-based): chr7:93,103,204, G>A on the plus strand (C>T on the coding strand, the complement: SAMD9 is on the minus strand). VCF-style: chr7-93103204-G-A. GRCh37 (hg19) VCF-style: chr7-92732517-G-A.
Other names: c.2894C>T, p.Thr965Ile (NM_001193307.2); short protein forms T965I.
Identifiers: ClinVar variation 1719415 (VCV001719415.5), dbSNP rs1791567649, ClinGen allele CA368189303.